The following is an entry in ClinVar:

ClinVar aggregate classification (germline): Uncertain significance (1 of 4 stars; one submission).

Submission:

GeneDx
Classification: Uncertain significance. Last evaluated: 2022-04-28. Review status: criteria provided, single submitter. Criteria: GeneDx Variant Classification Process June 2021. Collection method: clinical testing. Allele origin: germline. Affected: yes.
Comment: Not observed at significant frequency in large population cohorts (gnomAD); In silico analysis supports that this missense variant has a deleterious effect on protein structure/function; Has not been previously published as pathogenic or benign to our knowledge

NM_021120.4(DLG3):c.1561C>T (p.Pro521Ser)

Gene: DLG3 (discs large MAGUK scaffold protein 3; plus strand). Cytogenetic location: Xq13.1.
Variant type: single nucleotide variant.
Coding change: c.1561C>T on transcript NM_021120.4 (MANE Select); coding-DNA position 1561, C replaced by T.
Protein change: p.Pro521Ser; replaces proline 521 with serine.
Molecular consequence: missense variant.
Genome position (GRCh38, 1-based): chrX:70,492,147, C>T. VCF-style: chrX-70492147-C-T. GRCh37 (hg19) VCF-style: chrX-69711997-C-T.
Other names: c.112C>T, p.Pro38Ser (NM_001166278.2); c.550C>T, p.Pro184Ser (NM_020730.3); short protein forms P184S, P38S, P521S.
Identifiers: ClinVar variation 1712866 (VCV001712866.2), dbSNP rs2519853504, ClinGen allele CA413458476.